The following is an entry in ClinVar:

NM_001009944.3(PKD1):c.7066-2A>G

Gene: PKD1 (polycystin 1, transient receptor potential channel interacting; minus strand). Cytogenetic location: 16p13.3.
Variant type: single nucleotide variant.
Coding change: c.7066-2A>G on transcript NM_001009944.3 (MANE Select); the canonical splice acceptor site of the intron before coding-DNA position 7066, A replaced by G.
Molecular consequence: splice acceptor variant.
Genome position (GRCh38, 1-based): chr16:2,106,950, T>C on the plus strand (A>G on the coding strand, the complement: PKD1 is on the minus strand). VCF-style: chr16-2106950-T-C. GRCh37 (hg19) VCF-style: chr16-2156951-T-C.
Other names: c.7066-2A>G (NM_000296.4).
Identifiers: ClinVar variation 2631515 (VCV002631515.3), dbSNP rs2544785397, ClinGen allele CA394372178.
Genomic context (GRCh38, chr16:2,106,950, plus strand): 5'-GCCTTGCAGGACACACACTCCAAGGACACAATGGGCACCCGGCCACTCCGGATCAGCACC[T>C]GGCGTGGGAGTGGGGTTACCTCCAACACAGGTCTATTTGGCCTGCTGGAAGGACTGGGGG-3'

ClinVar aggregate classification (germline): Pathogenic/Likely pathogenic. Review status: criteria provided, multiple submitters, no conflicts (2 of 4 stars). 3 submissions from 3 submitters: Pathogenic (2); Likely pathogenic (1). Last evaluated 2025-04-30.

Conditions:
Polycystic kidney disease, adult type (PKD1). Also called: POLYCYSTIC KIDNEY DISEASE 1 WITH OR WITHOUT POLYCYSTIC LIVER DISEASE; Polycystic Kidney Disease 1, Autosomal Dominant; Polycystic kidney disease 1; Polycystic kidney disease 1, severe; Polycystic Kidney, Autosomal Dominant; POLYCYSTIC KIDNEY DISEASE, ADULT, TYPE I. Identifiers: MedGen C3149841, MONDO:0008263, OMIM 173900.
PKD1-related disorder. Also called: PKD1-related condition.

Submissions (3):

GeneDx
Classification: Likely pathogenic. Last evaluated: 2025-04-30. Review status: criteria provided, single submitter. Criteria: GeneDx Variant Classification Process June 2021. Collection method: clinical testing. Allele origin: germline. Affected: yes.
Comment: Canonical splice site variant predicted to result in an in-frame loss of the adjacent exon in a gene for which loss of function is a known mechanism of disease; Not observed at significant frequency in large population cohorts (gnomAD); This variant is associated with the following publications: (PMID: 22508176)

Fulgent Genetics
Classification: Pathogenic for Polycystic kidney disease, adult type. Last evaluated: 2024-06-15. Review status: criteria provided, single submitter. Criteria: ACMG Guidelines, 2015. Collection method: clinical testing. Allele origin: germline.

PreventionGenetics, part of Exact Sciences
Classification: Pathogenic for PKD1-related condition. Last evaluated: 2023-07-11. Review status: criteria provided, single submitter. Criteria: ACMG Guidelines, 2015. Collection method: clinical testing. Allele origin: germline.
Comment: The PKD1 c.7066-2A>G variant is predicted to disrupt the AG splice acceptor site and interfere with normal splicing. This variant has been reported in an individual with autosomal dominant polycystic kidney disease (Supp. Table S4, Audrézet et al 2012. PubMed ID: 22508176). This variant has not been reported in a large population database, indicating this variant is rare. Variants that disrupt the consensus splice acceptor site in PKD1 are expected to be pathogenic. This variant is interpreted as pathogenic.